The following is an entry in ClinVar:

ClinVar aggregate classification (germline): Conflicting classifications of pathogenicity. Review status: criteria provided, conflicting classifications (1 of 4 stars). 4 submissions from 4 submitters: Uncertain significance (1); Likely benign (3). Last evaluated 2026-07-01.

Conditions:
Bethlem myopathy 1A. Also called: Bethlem Muscular Dystrophy; MYOPATHY, BENIGN CONGENITAL, WITH CONTRACTURES; Bethlem myopathy 1. Identifiers: Orphanet 610, MedGen CN029274, MONDO:0024530, OMIM 158810.

Allele frequency attached by ClinVar (database versions not stated): gnomAD exomes 0.00002 and 0.00010; gnomAD 0.00003; TOPMed 0.00005.
gnomAD v4.1: 154 of 1,607,308 alleles (0.0096%); highest among the groups gnomAD compares: Non-Finnish European, 0.012%; no homozygotes.

Submissions (4):

CeGaT Center for Human Genetics Tuebingen
Classification: Likely benign. Last evaluated: 2026-07-01. Review status: criteria provided, single submitter. Criteria: CeGaT Center For Human Genetics Tuebingen Variant Classification Criteria Version 2. Collection method: clinical testing. Allele origin: germline. Affected: yes. Observed: 1 variant allele.
Comment: COL6A2: BP4, BP7

Labcorp Genetics (formerly Invitae), Labcorp
Classification: Likely benign for Bethlem myopathy 1A. Last evaluated: 2026-01-02. Review status: criteria provided, single submitter. Criteria: Invitae Variant Classification Sherloc (09022015). Collection method: clinical testing. Allele origin: germline.

GeneDx
Classification: Likely benign. Last evaluated: 2018-01-16. Review status: criteria provided, single submitter. Criteria: GeneDx Variant Classification (06012015). Collection method: clinical testing. Allele origin: germline. Affected: yes.
Comment: This variant is considered likely benign or benign based on one or more of the following criteria: it is a conservative change, it occurs at a poorly conserved position in the protein, it is predicted to be benign by multiple in silico algorithms, and/or has population frequency not consistent with disease.

Eurofins Ntd Llc (ga)
Classification: Uncertain significance. Last evaluated: 2015-09-15. Review status: criteria provided, single submitter. Criteria: EGL Classification Definitions 2015. Collection method: clinical testing. Allele origin: germline. Observed: 1 variant allele, 1 heterozygote.

NM_001849.4(COL6A2):c.2361G>A (p.Thr787=)

Gene: COL6A2 (collagen type VI alpha 2 chain; plus strand). Cytogenetic location: 21q22.3.
Variant type: single nucleotide variant.
Coding change: c.2361G>A on transcript NM_001849.4 (MANE Select); coding-DNA position 2361, G replaced by A.
Protein change: p.Thr787=; no amino-acid change (threonine 787 retained).
Molecular consequence: synonymous variant.
Genome position (GRCh38, 1-based): chr21:46,126,176, G>A. VCF-style: chr21-46126176-G-A. GRCh37 (hg19) VCF-style: chr21-47546090-G-A.
Other names: c.2361G>A, p.Thr787= (NM_058174.3, NM_058175.3).
Identifiers: ClinVar variation 283288 (VCV000283288.16), dbSNP rs566966690, ClinGen allele CA10604450.
Genomic context (GRCh38, chr21:46,126,176, plus strand): 5'-CGAGAGTGAAAACCTCTACTCCATCGCCTGCGACAAGCCACAGCAGGTGCGCAACATGAC[G>A]CTGTTCTCCGACCTGGTCGCTGAGAAGTTCATCGATGACATGGAGGACGTCCTCTGCCCG-3'
Protein context (NP_001840.3, residues 777-797): CDKPQQVRNM[Thr787=]LFSDLVAEKF